The following is an entry in ClinVar:

NM_001148.6(ANK2):c.7468C>T (p.Pro2490Ser)

Genes: ANK2 (ankyrin 2; plus strand), LOC126807137 (CDK7 strongly-dependent group 2 enhancer GRCh37_chr4:114276560-114277759; plus strand). Cytogenetic location: 4q26.
Variant type: single nucleotide variant.
Coding change: c.7468C>T on transcript NM_001148.6 (MANE Select); coding-DNA position 7468, C replaced by T.
Protein change: p.Pro2490Ser; replaces proline 2490 with serine.
Molecular consequence: missense variant. On other transcripts: intron variant (68).
Genome position (GRCh38, 1-based): chr4:113,356,086, C>T. VCF-style: chr4-113356086-C-T. GRCh37 (hg19) VCF-style: chr4-114277242-C-T.
Other names: c.7234C>T, p.Pro2412Ser (NM_001386142.1); c.3868C>T, p.Pro1290Ser (NM_001386166.1); c.7609C>T, p.Pro2537Ser (NM_001386174.1); c.7585C>T, p.Pro2529Ser (NM_001386175.1); c.4412-4737C>T (NM_001386186.2, NM_001386148.2); c.4214-4737C>T (NM_001354269.3); c.4292-4737C>T (NM_001386187.2); c.4253-4737C>T (NM_001386147.1); and 35 more; short protein forms P2537S, P2490S, P1290S, P2412S, P2529S.
Identifiers: ClinVar variation 4096474 (VCV004096474.1).

ClinVar aggregate classification (germline): Uncertain significance (1 of 4 stars; one submission).

Conditions:
Cardiovascular phenotype. Identifiers: MedGen CN230736.

gnomAD v4.1: 3 of 1,614,138 alleles (0.00019%); highest among the groups gnomAD compares: South Asian, 0.0011%; no homozygotes.

Submission:

Ambry Genetics
Classification: Uncertain significance for Cardiovascular phenotype. Last evaluated: 2025-06-22. Review status: criteria provided, single submitter. Criteria: Ambry Variant Classification Scheme 2023. Collection method: clinical testing. Allele origin: germline.
Comment: The p.P2490S variant (also known as c.7468C>T), located in coding exon 38 of the ANK2 gene, results from a C to T substitution at nucleotide position 7468. The proline at codon 2490 is replaced by serine, an amino acid with similar properties. This amino acid position is conserved. In addition, this alteration is predicted to be tolerated by in silico analysis. Based on the available evidence, the clinical significance of this variant remains unclear.